The following is an entry in ClinVar:

ClinVar aggregate classification (germline): Uncertain significance (1 of 4 stars; one submission).

Conditions:
Benign neonatal seizures. Also called: Convulsions benign familial neonatal dominant form; Autosomal dominant form of benign neonatal seizures; Benign neonatal familial convulsions; Benign familial neonatal seizures; Benign familial neonatal epilepsy. Identifiers: Orphanet 1949, MedGen C0220669, MONDO:0016027.

Submission:

Labcorp Genetics (formerly Invitae), Labcorp
Classification: Uncertain significance for Benign neonatal seizures. Last evaluated: 2021-07-16. Review status: criteria provided, single submitter. Criteria: Invitae Variant Classification Sherloc (09022015). Collection method: clinical testing. Allele origin: germline.
Comment: This variant is not present in population databases (ExAC no frequency). This variant has not been reported in the literature in individuals with KCNQ3-related conditions. Algorithms developed to predict the effect of missense changes on protein structure and function are either unavailable or do not agree on the potential impact of this missense change (SIFT: "Tolerated"; PolyPhen-2: "Probably Damaging"; Align-GVGD: "Class C0"). In summary, the available evidence is currently insufficient to determine the role of this variant in disease. Therefore, it has been classified as a Variant of Uncertain Significance. This sequence change replaces methionine with leucine at codon 619 of the KCNQ3 protein (p.Met619Leu). The methionine residue is moderately conserved and there is a small physicochemical difference between methionine and leucine.

NM_004519.4(KCNQ3):c.1855A>T (p.Met619Leu)

Gene: KCNQ3 (potassium voltage-gated channel subfamily Q member 3; minus strand). Cytogenetic location: 8q24.22.
Variant type: single nucleotide variant.
Coding change: c.1855A>T on transcript NM_004519.4 (MANE Select); coding-DNA position 1855, A replaced by T.
Protein change: p.Met619Leu; replaces methionine 619 with leucine.
Molecular consequence: missense variant.
Genome position (GRCh38, 1-based): chr8:132,132,209, T>A on the plus strand (A>T on the coding strand, the complement: KCNQ3 is on the minus strand). VCF-style: chr8-132132209-T-A. GRCh37 (hg19) VCF-style: chr8-133144456-T-A.
Other names: c.1495A>T, p.Met499Leu (NM_001204824.2); short protein forms M499L, M619L.
Identifiers: ClinVar variation 1488433 (VCV001488433.8), dbSNP rs2130927987, ClinGen allele CA372217781.
Genomic context (GRCh38, chr8:132,132,209, plus strand): 5'-CAGTTTTTGGTGAGAGGAAGAAAAGACTTACCTGTCTTTCAACTTTTACAAACTTCCCCA[T>A]CATGCTTTGGTCTTCGATTTCTGATGTGGATGGTCTGGCTACATATGGTTCATTCCTAAG-3'
Protein context (NP_004510.1, residues 609-629): STSEIEDQSM[Met619Leu]GKFVKVERQV